The following is an entry in ClinVar:

ClinVar aggregate classification (germline): Benign/Likely benign. Review status: criteria provided, multiple submitters, no conflicts (2 of 4 stars). 3 submissions from 3 submitters: Benign (1); Likely benign (2). Last evaluated 2026-06-17.

Conditions:
Hereditary cancer-predisposing syndrome. Also called: Neoplastic Syndromes, Hereditary; Hereditary Cancer Syndrome; Hereditary neoplastic syndrome; Tumor predisposition. Identifiers: Orphanet 140162, MedGen C0027672, MeSH D009386, MONDO:0015356.
Polyps, multiple and recurrent inflammatory fibroid, gastrointestinal. Identifiers: MedGen C5193005, MONDO:0008285, OMIM 175510.
Gastrointestinal stromal tumor. Also called: Gastrointestinal stroma tumor; Gastrointestinal stromal tumor, somatic. Identifiers: Orphanet 44890, MedGen C0238198, MeSH D046152, MONDO:0011719, OMIM 606764, HP:0100723.

Allele frequency attached by ClinVar (database versions not stated): gnomAD exomes below 0.00001 and 0.00001.

Submissions (3):

Myriad Genetics, Inc.
Classification: Benign for Polyps, multiple and recurrent inflammatory fibroid, gastrointestinal. Last evaluated: 2026-06-17. Review status: criteria provided, single submitter. Criteria: Myriad Autosomal Dominant, Autosomal Recessive and X-Linked Classification Criteria (2023). Collection method: clinical testing. Allele origin: unknown.
Comment: This variant is considered benign. This variant is a silent/synonymous amino acid change and it is not expected to impact splicing.

Labcorp Genetics (formerly Invitae), Labcorp
Classification: Likely benign for Gastrointestinal stromal tumor. Last evaluated: 2025-01-23. Review status: criteria provided, single submitter. Criteria: Invitae Variant Classification Sherloc (09022015). Collection method: clinical testing. Allele origin: germline.

Ambry Genetics
Classification: Likely benign for Hereditary cancer-predisposing syndrome. Last evaluated: 2022-05-12. Review status: criteria provided, single submitter. Criteria: Ambry Variant Classification Scheme 2023. Collection method: clinical testing. Allele origin: germline.

NM_006206.6(PDGFRA):c.2151A>G (p.Thr717=)

Gene: PDGFRA (platelet derived growth factor receptor alpha; plus strand). Cytogenetic location: 4q12.
Variant type: single nucleotide variant.
Coding change: c.2151A>G on transcript NM_006206.6 (MANE Select); coding-DNA position 2151, A replaced by G.
Protein change: p.Thr717=; no amino-acid change (threonine 717 retained).
Molecular consequence: synonymous variant.
Genome position (GRCh38, 1-based): chr4:54,278,510, A>G. VCF-style: chr4-54278510-A-G. GRCh37 (hg19) VCF-style: chr4-55144677-A-G.
Other names: c.2151A>G, p.Thr717= (NM_001347827.2, NM_001347829.2); c.2226A>G, p.Thr742= (NM_001347828.2); c.2190A>G, p.Thr730= (NM_001347830.2).
Identifiers: ClinVar variation 1115793 (VCV001115793.20), dbSNP rs754920069, ClinGen allele CA96861971.